The following is an entry in ClinVar:

NM_015175.3(NBEAL2):c.3222-2A>T

Gene: NBEAL2 (neurobeachin like 2; plus strand). Cytogenetic location: 3p21.31.
Variant type: single nucleotide variant.
Coding change: c.3222-2A>T on transcript NM_015175.3 (MANE Select); the canonical splice acceptor site of the intron before coding-DNA position 3222, A replaced by T.
Molecular consequence: splice acceptor variant.
Genome position (GRCh38, 1-based): chr3:46,998,715, A>T. VCF-style: chr3-46998715-A-T. GRCh37 (hg19) VCF-style: chr3-47040205-A-T.
Other names: c.3120-2A>T (NM_001365116.2).
Identifiers: ClinVar variation 4530588 (VCV004530588.1).

ClinVar aggregate classification (germline): Pathogenic (1 of 4 stars; one submission).

Conditions:
Gray platelet syndrome (GPS). Also called: BLEEDING DISORDER, PLATELET-TYPE, 4. Identifiers: Orphanet 721, MedGen C0272302, MONDO:0007686, OMIM 139090.

Submission:

Institute of Human Genetics, University of Leipzig Medical Center
Classification: Pathogenic for Gray platelet syndrome. Last evaluated: 2025-10-09. Review status: criteria provided, single submitter. Criteria: ACMG Guidelines, 2015. Collection method: clinical testing. Allele origin: unknown. Inheritance: Autosomal recessive inheritance. Affected: yes.
Comment: Criteria applied: PVS1,PM2